The following is an entry in ClinVar:

ClinVar aggregate classification (germline): Uncertain significance (1 of 4 stars; one submission).

Conditions:
Leigh syndrome (NULS). Also called: Leigh's necrotizing encephalopathy; Leigh's disease; Leigh Syndrome (mtDNA deletion); Leigh Disease; Subacute necrotizing encephalopathy; Necrotizing encephalopathy infantile subacute of Leigh. Identifiers: Orphanet 506, MedGen C2931891, MONDO:0009723, OMIM 256000.

Submission:

Wong Mito Lab, Molecular and Human Genetics, Baylor College of Medicine
Classification: Uncertain significance for Leigh syndrome. Last evaluated: 2019-10-17. Review status: criteria provided, single submitter. Criteria: Modified ACMG Guidelines (Unpublished). Collection method: clinical testing. Allele origin: germline.
Comment: The NC_012920.1:m.7290A>G (YP_003024028.1:p.Thr463Ala) variant in MTCO1 gene is interpretated to be a Uncertain Significance variant based on the modified ACMG guidelines (unpublished). This variant meets the following evidence codes: PP6, PP7, BP5

NC_012920.1(MT-CO1):m.7290A>G

Gene: MT-CO1 (mitochondrially encoded cytochrome c oxidase I; plus strand).
Variant type: single nucleotide variant.
Genome position: chrM-7290-A-G.
Identifiers: ClinVar variation 692729 (VCV000692729.1), dbSNP rs1603220870, ClinGen allele CA414792241.